The following is an entry in ClinVar:

Conditions:
Breast-ovarian cancer, familial, susceptibility to, 1 (BROVCA1). Also called: BRCA1 Hereditary Breast and Ovarian Cancer; OVARIAN CANCER, SUSCEPTIBILITY TO. Identifiers: Orphanet 145, MedGen C2676676, MONDO:0011450, OMIM 604370. Disease mechanism: loss of function.

Submission:

Brotman Baty Institute, University of Washington
No classification provided (evidence only). Condition: Breast-ovarian cancer, familial 1. Review status: no classification provided. Collection method: in vitro. Allele origin: not applicable. Functional consequence: functionally_normal.
ClinVar note: "not provided" was previously submitted as the classification for the variant. However, the classification appeared to be based only on an observation of functional data so it was converted to no classification on 2025-07-30.

NM_007294.4(BRCA1):c.5501C>G (p.Thr1834Ser)

Gene: BRCA1 (BRCA1 DNA repair associated; minus strand). Cytogenetic location: 17q21.31.
Variant type: single nucleotide variant.
Coding change: c.5501C>G on transcript NM_007294.4 (MANE Select); coding-DNA position 5501, C replaced by G.
Protein change: p.Thr1834Ser; replaces threonine 1834 with serine.
Molecular consequence: missense variant. On other transcripts: 3 prime UTR variant (1), non-coding transcript variant (1).
Genome position (GRCh38, 1-based): chr17:43,045,769, G>C on the plus strand (C>G on the coding strand, the complement: BRCA1 is on the minus strand). VCF-style: chr17-43045769-G-C. GRCh37 (hg19) VCF-style: chr17-41197786-G-C.
Other names: c.5486C>G, p.Thr1829Ser (NM_001407647.1); c.5444C>G, p.Thr1815Ser (NM_001407648.1); c.5441C>G, p.Thr1814Ser (NM_001407649.1); c.5423C>G, p.Thr1808Ser (NM_001407652.1, NM_001407653.1, NM_001407654.1 and 1 more transcripts); c.5420C>G, p.Thr1807Ser (NM_001407656.1, NM_001407657.1, NM_001407658.1); c.5501C>G, p.Thr1834Ser (NM_001407603.1, NM_001407605.1, NM_001407593.1 and 5 more transcripts); c.5498C>G, p.Thr1833Ser (NM_001407610.1, NM_001407611.1, NM_001407612.1 and 14 more transcripts); c.5495C>G, p.Thr1832Ser (NM_001407627.1, NM_001407628.1, NM_001407629.1 and 13 more transcripts); and 74 more; short protein forms T730S, T1834S, T1787S, T1855S, T1680S, T1706S, T1707S, T1721S.
Identifiers: ClinVar variation 868991 (VCV000868991.3), dbSNP rs730881500, ClinGen allele CA10590306.